The following is an entry in ClinVar:

ClinVar aggregate classification (germline): Likely benign. Review status: criteria provided, multiple submitters, no conflicts (2 of 4 stars). 5 submissions from 5 submitters: Likely benign (5). Last evaluated 2026-04-15.

Allele frequency attached by ClinVar (database versions not stated): gnomAD 0.00061 and 0.00065; gnomAD exomes 0.00068 and 0.00101; TOPMed 0.00070; ExAC 0.00102; ESP Exome Variant Server 0.00131.
gnomAD v4.1: 1,140 of 1,613,466 alleles (0.071%); highest among the groups gnomAD compares: Middle Eastern, 1.2%; 2 homozygotes.

Submissions (5):

Women's Health and Genetics/Laboratory Corporation of America, LabCorp
Classification: Likely benign. Last evaluated: 2026-04-15. Review status: criteria provided, single submitter. Criteria: LabCorp Variant Classification Summary - May 2015. Collection method: clinical testing. Allele origin: germline.

Labcorp Genetics (formerly Invitae), Labcorp
Classification: Likely benign. Last evaluated: 2026-01-27. Review status: criteria provided, single submitter. Criteria: Invitae Variant Classification Sherloc (09022015). Collection method: clinical testing. Allele origin: germline.

CeGaT Center for Human Genetics Tuebingen
Classification: Likely benign. Last evaluated: 2025-11-01. Review status: criteria provided, single submitter. Criteria: CeGaT Center For Human Genetics Tuebingen Variant Classification Criteria Version 2. Collection method: clinical testing. Allele origin: germline. Affected: yes. Observed: 3 variant alleles.
Comment: TCF3: BP4, BP7

Blueprint Genetics
Classification: Likely benign. Last evaluated: 2024-11-20. Review status: criteria provided, single submitter. Criteria: ACMG Guidelines, 2015. Collection method: clinical testing. Allele origin: germline.

Breakthrough Genomics
Classification: Likely benign. Review status: criteria provided, single submitter. Criteria: ACMG Guidelines, 2015. Collection method: not provided. Allele origin: germline. Inheritance: Autosomal recessive inheritance. Affected: yes.

NM_003200.5(TCF3):c.276A>G (p.Thr92=)

Gene: TCF3 (transcription factor 3; minus strand). Cytogenetic location: 19p13.3.
Variant type: single nucleotide variant.
Coding change: c.276A>G on transcript NM_003200.5 (MANE Select); coding-DNA position 276, A replaced by G.
Protein change: p.Thr92=; no amino-acid change (threonine 92 retained).
Molecular consequence: synonymous variant.
Genome position (GRCh38, 1-based): chr19:1,632,060, T>C on the plus strand (A>G on the coding strand, the complement: TCF3 is on the minus strand). VCF-style: chr19-1632060-T-C. GRCh37 (hg19) VCF-style: chr19-1632059-T-C.
Other names: c.276A>G, p.Thr92= (NM_001136139.4, NM_001351778.2, NM_001351779.2).
Identifiers: ClinVar variation 781730 (VCV000781730.47), dbSNP rs141390047, ClinGen allele CA9050513.
Genomic context (GRCh38, chr19:1,632,060, plus strand): 5'-GTGCACAGCAGAGGGACCGCACCAGGCCAGGCACTCACCTCCGAGTCCCGGTCCCAGGAA[T>C]GTGGATGAAGAGAGGCTGCTGTGCGACTCAGTGAAGTGGGTGCCCTCGCTGAAGGTCTAG-3'
Protein context (NP_003191.1, residues 82-102): TESHSSLSSS[Thr92=]FLGPGLGGKS